The following is an entry in ClinVar:

ClinVar aggregate classification (germline): Uncertain significance (1 of 4 stars; one submission).

Conditions:
Microcephaly 1, primary, autosomal recessive (MCPH1). Also called: PREMATURE CHROMOSOME CONDENSATION SYNDROME; PCC SYNDROME; PREMATURE CHROMOSOME CONDENSATION WITH MICROCEPHALY AND MENTAL RETARDATION. Identifiers: Orphanet 2512, MedGen C1855081, MONDO:0009617, OMIM 251200.

Allele frequency attached by ClinVar (database versions not stated): TOPMed below 0.00001; gnomAD 0.00001; ExAC 0.00002.
gnomAD v4.1: 22 of 1,613,678 alleles (0.0014%); highest among the groups gnomAD compares: East Asian, 0.0089%; no homozygotes.

Submission:

Baylor Genetics
Classification: Uncertain significance for Microcephaly 1, primary, autosomal recessive. Last evaluated: 2020-11-30. Review status: criteria provided, single submitter. Criteria: ACMG Guidelines, 2015. Collection method: clinical testing. Allele origin: unknown. Affected: yes.
Comment: This variant was determined to be of uncertain significance according to ACMG Guidelines, 2015 [PMID:25741868].

NM_018451.5(CPAP):c.3737C>T (p.Thr1246Met)

Genes: RNF17 (ring finger protein 17; plus strand), CPAP (centrosome assembly and centriole elongation protein; minus strand). Cytogenetic location: 13q12.12.
Variant type: single nucleotide variant.
Coding change: c.3737C>T on transcript NM_018451.5 (MANE Select); coding-DNA position 3737, C replaced by T.
Protein change: p.Thr1246Met; replaces threonine 1246 with methionine.
Molecular consequence: missense variant. On other transcripts: non-coding transcript variant (2).
Genome position (GRCh38, 1-based): chr13:24,884,050, G>A on the plus strand (C>T on the coding strand, the complement: CPAP is on the minus strand). VCF-style: chr13-24884050-G-A. GRCh37 (hg19) VCF-style: chr13-25458188-G-A.
Other names: short protein forms T1246M.
Identifiers: ClinVar variation 1028113 (VCV001028113.1), dbSNP rs767833776, ClinGen allele CA6919164.